The following is an entry in ClinVar:

ClinVar aggregate classification (germline): Uncertain significance. Review status: criteria provided, multiple submitters, no conflicts (2 of 4 stars). 2 submissions from 2 submitters: Uncertain significance (2). Last evaluated 2023-01-12.

Submissions (2):

GeneDx
Classification: Uncertain significance. Last evaluated: 2023-01-12. Review status: criteria provided, single submitter. Criteria: GeneDx Variant Classification Process June 2021. Collection method: clinical testing. Allele origin: germline. Affected: yes.
Comment: Not observed at significant frequency in large population cohorts (gnomAD); In silico analysis supports that this missense variant has a deleterious effect on protein structure/function; Has not been previously published as pathogenic or benign to our knowledge

Labcorp Genetics (formerly Invitae), Labcorp
Classification: Uncertain significance. Last evaluated: 2022-06-22. Review status: criteria provided, single submitter. Criteria: Invitae Variant Classification Sherloc (09022015). Collection method: clinical testing. Allele origin: germline.
Comment: In summary, the available evidence is currently insufficient to determine the role of this variant in disease. Therefore, it has been classified as a Variant of Uncertain Significance. Advanced modeling of protein sequence and biophysical properties (such as structural, functional, and spatial information, amino acid conservation, physicochemical variation, residue mobility, and thermodynamic stability) performed at Invitae indicates that this missense variant is not expected to disrupt ROBO2 protein function. This variant has not been reported in the literature in individuals affected with ROBO2-related conditions. This variant is not present in population databases (gnomAD no frequency). This sequence change replaces aspartic acid, which is acidic and polar, with glutamic acid, which is acidic and polar, at codon 414 of the ROBO2 protein (p.Asp414Glu).

NM_001395656.1(ROBO2):c.1254T>A (p.Asp418Glu)

Gene: ROBO2 (roundabout guidance receptor 2; plus strand). Cytogenetic location: 3p12.3.
Variant type: single nucleotide variant.
Coding change: c.1254T>A on transcript NM_001395656.1 (MANE Select); coding-DNA position 1254, T replaced by A.
Protein change: p.Asp418Glu; replaces aspartic acid 418 with glutamic acid.
Molecular consequence: missense variant. On other transcripts: 5 prime UTR variant (1).
Genome position (GRCh38, 1-based): chr3:77,557,954, T>A. VCF-style: chr3-77557954-T-A. GRCh37 (hg19) VCF-style: chr3-77607105-T-A.
Other names: c.1323T>A, p.Asp441Glu (NM_001378192.1, NM_001378194.1, NM_001378198.1 and 2 more transcripts); c.1242T>A, p.Asp414Glu (NM_001378193.1, NM_001378197.1, NM_002942.5); c.1302T>A, p.Asp434Glu (NM_001378195.1, NM_001378196.1, NM_001378200.1 and 4 more transcripts); c.1290T>A, p.Asp430Glu (NM_001128929.3); c.1254T>A, p.Asp418Glu (NM_001290039.2, NM_001290040.2, NM_001378202.1); c.-677T>A (NM_001290065.2); c.1311T>A, p.Asp437Glu (NM_001394212.1, NM_001394214.1, NM_001395657.1); c.1242T>A (NM_002942.4); short protein forms D414E, D418E, D437E, D441E, D430E, D434E.
Identifiers: ClinVar variation 2051484 (VCV002051484.5), dbSNP rs1241340508, ClinGen allele CA353576331.